The following is an entry in ClinVar:

NM_000166.6(GJB1):c.287C>G (p.Ala96Gly)

Gene: GJB1 (gap junction protein beta 1; plus strand). Cytogenetic location: Xq13.1.
Variant type: single nucleotide variant.
Coding change: c.287C>G on transcript NM_000166.6 (MANE Select); coding-DNA position 287, C replaced by G.
Protein change: p.Ala96Gly; replaces alanine 96 with glycine.
Molecular consequence: missense variant.
Genome position (GRCh38, 1-based): chrX:71,223,994, C>G. VCF-style: chrX-71223994-C-G. GRCh37 (hg19) VCF-style: chrX-70443844-C-G.
Other names: c.287C>G, p.Ala96Gly (NM_001097642.3); short protein forms A96G.
Identifiers: ClinVar variation 1357566 (VCV001357566.8), dbSNP rs11551260, ClinGen allele CA330997722.

ClinVar aggregate classification (germline): Pathogenic/Likely pathogenic. Review status: criteria provided, multiple submitters, no conflicts (2 of 4 stars). 2 submissions from 2 submitters: Pathogenic (1); Likely pathogenic (1). Last evaluated 2023-03-10.

Conditions:
Charcot-Marie-Tooth Neuropathy X. Identifiers: MedGen CN118851.
Charcot-Marie-Tooth disease X-linked dominant 1. Also called: X-linked Charcot-Marie-Tooth disease type 1; HEREDITARY MOTOR AND SENSORY NEUROPATHY, X-LINKED; HMSN, X-LINKED; CHARCOT-MARIE-TOOTH NEUROPATHY, X-LINKED, 1; CHARCOT-MARIE-TOOTH PERONEAL MUSCULAR ATROPHY, X-LINKED; Charcot-Marie-Tooth Neuropathy X Type 1. Identifiers: Orphanet 101075, MedGen C0393808, MONDO:0010549, OMIM 302800.

Submissions (2):

Institute of Human Genetics Munich, TUM University Hospital
Classification: Likely pathogenic for Charcot-Marie-Tooth disease X-linked dominant 1. Last evaluated: 2023-03-10. Review status: criteria provided, single submitter. Criteria: Classification criteria August 2017. Collection method: clinical testing. Allele origin: germline. Inheritance: X-linked inheritance. Affected: yes. Observed: 1 variant allele.

Labcorp Genetics (formerly Invitae), Labcorp
Classification: Pathogenic for Charcot-Marie-Tooth Neuropathy X. Last evaluated: 2021-03-09. Review status: criteria provided, single submitter. Criteria: Invitae Variant Classification Sherloc (09022015). Collection method: clinical testing. Allele origin: germline.
Comment: This sequence change replaces alanine with glycine at codon 96 of the GJB1 protein (p.Ala96Gly). The alanine residue is highly conserved and there is a small physicochemical difference between alanine and glycine. This variant is not present in population databases (ExAC no frequency). This variant has been observed in individual(s) with clinical features of Charcot-Marie-Tooth disease (PMID: 27544631, 21692908). Algorithms developed to predict the effect of missense changes on protein structure and function (SIFT, PolyPhen-2, Align-GVGD) all suggest that this variant is likely to be disruptive, but these predictions have not been confirmed by published functional studies and their clinical significance is uncertain. This variant disrupts the p.Ala96 amino acid residue in GJB1. Other variant(s) that disrupt this residue have been determined to be pathogenic (PMID: 23011429, 27025386). This suggests that this residue is clinically significant, and that variants that disrupt this residue are likely to be disease-causing For these reasons, this variant has been classified as Pathogenic.

Literature cited by the submitters: PubMed 27544631 (cited by Labcorp Genetics (formerly Invitae), Labcorp); PubMed 21692908 (cited by Labcorp Genetics (formerly Invitae), Labcorp); PubMed 23011429 (cited by Labcorp Genetics (formerly Invitae), Labcorp); PubMed 27025386 (cited by Labcorp Genetics (formerly Invitae), Labcorp).